The following is an entry in ClinVar:

NM_001042646.3(TRAK1):c.2747G>A (p.Arg916Gln)

Gene: TRAK1 (trafficking kinesin protein 1; plus strand). Cytogenetic location: 3p22.1.
Variant type: single nucleotide variant.
Coding change: c.2747G>A on transcript NM_001042646.3 (MANE Select); coding-DNA position 2747, G replaced by A.
Protein change: p.Arg916Gln; replaces arginine 916 with glutamine.
Molecular consequence: missense variant. On other transcripts: 3 prime UTR variant (1), non-coding transcript variant (1).
Genome position (GRCh38, 1-based): chr3:42,223,622, G>A. VCF-style: chr3-42223622-G-A. GRCh37 (hg19) VCF-style: chr3-42265114-G-A.
Other names: c.2747G>A (NM_001042646.2, NM_001042646.1); c.2372G>A, p.Arg791Gln (NM_001349245.1); c.2684G>A, p.Arg895Gln (NM_001349246.2); c.*701G>A (NM_001349247.2); c.2462G>A, p.Arg821Gln (NM_001349248.1); c.2525G>A, p.Arg842Gln (NM_001349249.1); short protein forms R821Q, R916Q, R791Q, R842Q, R895Q.
Identifiers: ClinVar variation 1405233 (VCV001405233.9), dbSNP rs375498931, ClinGen allele CA2333922.

ClinVar aggregate classification (germline): Uncertain significance. Review status: criteria provided, multiple submitters, no conflicts (2 of 4 stars). 4 submissions from 4 submitters: Uncertain significance (4). Last evaluated 2025-02-10.

Conditions:
Inborn genetic diseases. Identifiers: MedGen C0950123, MeSH D030342.

Allele frequency attached by ClinVar (database versions not stated): ESP Exome Variant Server 0.00016; gnomAD 0.00007 and 0.00008; TOPMed 0.00010; ExAC 0.00011; gnomAD exomes 0.00011 and 0.00014.
gnomAD v4.1: 178 of 1,613,830 alleles (0.011%); highest among the groups gnomAD compares: Admixed American, 0.032%; no homozygotes.

Submissions (4):

Labcorp Genetics (formerly Invitae), Labcorp
Classification: Uncertain significance. Last evaluated: 2025-02-10. Review status: criteria provided, single submitter. Criteria: Invitae Variant Classification Sherloc (09022015). Collection method: clinical testing. Allele origin: germline.
Comment: This sequence change replaces arginine, which is basic and polar, with glutamine, which is neutral and polar, at codon 916 of the TRAK1 protein (p.Arg916Gln). This variant is present in population databases (rs375498931, gnomAD 0.04%). This variant has not been reported in the literature in individuals affected with TRAK1-related conditions. ClinVar contains an entry for this variant (Variation ID: 1405233). An algorithm developed to predict the effect of missense changes on protein structure and function (PolyPhen-2) suggests that this variant is likely to be disruptive. In summary, the available evidence is currently insufficient to determine the role of this variant in disease. Therefore, it has been classified as a Variant of Uncertain Significance.

GeneDx
Classification: Uncertain significance. Last evaluated: 2024-08-20. Review status: criteria provided, single submitter. Criteria: GeneDx Variant Classification Process June 2021. Collection method: clinical testing. Allele origin: germline. Affected: yes.
Comment: In silico analysis supports that this missense variant does not alter protein structure/function; Has not been previously published as pathogenic or benign to our knowledge

Ambry Genetics
Classification: Uncertain significance for Inborn genetic diseases. Last evaluated: 2024-03-18. Review status: criteria provided, single submitter. Criteria: Ambry Variant Classification Scheme 2023. Collection method: clinical testing. Allele origin: germline.

Breakthrough Genomics
Classification: Uncertain significance. Review status: criteria provided, single submitter. Criteria: ACMG Guidelines, 2015. Collection method: not provided. Allele origin: germline. Inheritance: Autosomal recessive inheritance. Affected: yes.